The following is an entry in ClinVar:

ClinVar aggregate classification (germline): Uncertain significance (1 of 4 stars; one submission).

Allele frequency attached by ClinVar (database versions not stated): gnomAD exomes below 0.00001; ExAC 0.00001.
gnomAD v4.1: 7 of 1,614,150 alleles (0.00043%); highest among the groups gnomAD compares: Middle Eastern, 0.016%; no homozygotes.

Submission:

Labcorp Genetics (formerly Invitae), Labcorp
Classification: Uncertain significance. Last evaluated: 2023-06-03. Review status: criteria provided, single submitter. Criteria: Invitae Variant Classification Sherloc (09022015). Collection method: clinical testing. Allele origin: germline.
Comment: Algorithms developed to predict the effect of sequence changes on RNA splicing suggest that this variant may create or strengthen a splice site. This sequence change affects codon 66 of the TFRC mRNA. It is a 'silent' change, meaning that it does not change the encoded amino acid sequence of the TFRC protein. This variant is present in population databases (rs761390479, gnomAD 0.003%). This variant has not been reported in the literature in individuals affected with TFRC-related conditions. In summary, the available evidence is currently insufficient to determine the role of this variant in disease. Therefore, it has been classified as a Variant of Uncertain Significance.

NM_001128148.3(TFRC):c.198C>T (p.Ile66=)

Gene: TFRC (transferrin receptor; minus strand). Cytogenetic location: 3q29.
Variant type: single nucleotide variant.
Coding change: c.198C>T on transcript NM_001128148.3 (MANE Select); coding-DNA position 198, C replaced by T.
Protein change: p.Ile66=; no amino-acid change (isoleucine 66 retained).
Molecular consequence: synonymous variant. On other transcripts: intron variant (2).
Genome position (GRCh38, 1-based): chr3:196,075,199, G>A on the plus strand (C>T on the coding strand, the complement: TFRC is on the minus strand). VCF-style: chr3-196075199-G-A. GRCh37 (hg19) VCF-style: chr3-195802070-G-A.
Other names: c.198C>T, p.Ile66= (NM_003234.4); c.-413+1865C>T (NM_001313966.2); c.-5-1074C>T (NM_001313965.2).
Identifiers: ClinVar variation 2740179 (VCV002740179.3), dbSNP rs761390479, ClinGen allele CA2778377.